The following is an entry in ClinVar:

NM_021930.6(RINT1):c.1126C>T (p.Leu376Phe)

Gene: RINT1 (RAD50 interactor 1; plus strand). Cytogenetic location: 7q22.3.
Variant type: single nucleotide variant.
Coding change: c.1126C>T on transcript NM_021930.6 (MANE Select); coding-DNA position 1126, C replaced by T.
Protein change: p.Leu376Phe; replaces leucine 376 with phenylalanine.
Molecular consequence: missense variant. On other transcripts: non-coding transcript variant (1).
Genome position (GRCh38, 1-based): chr7:105,550,279, C>T. VCF-style: chr7-105550279-C-T. GRCh37 (hg19) VCF-style: chr7-105190726-C-T.
Other names: c.892C>T, p.Leu298Phe (NM_001346599.2); c.103C>T, p.Leu35Phe (NM_001346600.2, NM_001346603.2); c.202C>T, p.Leu68Phe (NM_001346601.2); short protein forms L68F, L298F, L35F, L376F.
Identifiers: ClinVar variation 5028296 (VCV005028296.1).

ClinVar aggregate classification (germline): Uncertain significance (1 of 4 stars; one submission).

Submission:

Ambry Genetics
Classification: Uncertain significance. Last evaluated: 2026-08-24. Review status: criteria provided, single submitter. Criteria: Ambry Variant Classification Scheme 2023. Collection method: clinical testing. Allele origin: germline.
Comment: The p.L376F variant (also known as c.1126C>T), located in coding exon 9 of the RINT1 gene, results from a C to T substitution at nucleotide position 1126. The leucine at codon 376 is replaced by phenylalanine, an amino acid with highly similar properties. This amino acid position is conserved. In addition, this alteration is predicted to be deleterious by in silico analysis. Based on the available evidence, the clinical significance of this variant remains unclear.